The following is an entry in ClinVar:

NM_032043.3(BRIP1):c.2301G>C (p.Glu767Asp)

Gene: BRIP1 (BRCA1 interacting DNA helicase 1; minus strand). Cytogenetic location: 17q23.2.
Variant type: single nucleotide variant.
Coding change: c.2301G>C on transcript NM_032043.3 (MANE Select); coding-DNA position 2301, G replaced by C.
Protein change: p.Glu767Asp; replaces glutamic acid 767 with aspartic acid.
Molecular consequence: missense variant.
Genome position (GRCh38, 1-based): chr17:61,743,091, C>G on the plus strand (G>C on the coding strand, the complement: BRIP1 is on the minus strand). VCF-style: chr17-61743091-C-G. GRCh37 (hg19) VCF-style: chr17-59820452-C-G.
Other names: short protein forms E767D.
Identifiers: ClinVar variation 489825 (VCV000489825.30), dbSNP rs369434185, ClinGen allele CA8690555.
Genomic context (GRCh38, chr17:61,743,091, plus strand): 5'-TGGAAAAGGAATTCCTATTGTTATGACAGCACGGGCATTGTCATCTGAGAAATCCAGACC[C>G]TCACTCACTTTACCACGACAAACTGCTACCAGGAGAGCTCCATCTTAAACAACAGAAAAA-3'
Protein context (NP_114432.2, residues 757-777): LVAVCRGKVS[Glu767Asp]GLDFSDDNAR

ClinVar aggregate classification (germline): Uncertain significance. Review status: criteria provided, multiple submitters, no conflicts (2 of 4 stars). 7 submissions from 7 submitters: Uncertain significance (6). 1 of the submissions does not count toward it. Last evaluated 2025-12-17.

Conditions:
Fanconi anemia complementation group J. Also called: BRIP1-Related Fanconi Anemia. Identifiers: Orphanet 84, MedGen C1836860, MONDO:0012187, OMIM 609054.
Familial cancer of breast. Also called: BREAST CANCER, FAMILIAL; hereditary breast carcinoma; Hereditary breast cancer. Identifiers: Orphanet 227535, MedGen C0346153, MONDO:0016419, OMIM 114480. Disease mechanism: loss of function.
Hereditary breast ovarian cancer syndrome. Also called: Hereditary breast and ovarian cancer; Hereditary breast and ovarian cancer syndrome (HBOC); BRCA1- and BRCA2-Associated Hereditary Breast and Ovarian Cancer; Breast and ovarian cancer; Hereditary breast and ovarian cancer syndrome; Hereditary breast and/or ovarian cancer syndrome. Identifiers: Orphanet 145, MedGen C0677776, MeSH D061325, MONDO:0003582. Disease mechanism: loss of function.
Hereditary cancer-predisposing syndrome. Also called: Tumor predisposition; Neoplastic Syndromes, Hereditary; Hereditary Cancer Syndrome; Hereditary neoplastic syndrome. Identifiers: Orphanet 140162, MedGen C0027672, MeSH D009386, MONDO:0015356.

gnomAD v4.1: 9 of 1,613,822 alleles (0.00056%); highest among the groups gnomAD compares: East Asian, 0.018%; no homozygotes.

Submissions (7):

Labcorp Genetics (formerly Invitae), Labcorp
Classification: Uncertain significance for Familial cancer of breast; Fanconi anemia complementation group J. Last evaluated: 2025-12-17. Review status: criteria provided, single submitter. Criteria: Invitae Variant Classification Sherloc (09022015). Collection method: clinical testing. Allele origin: germline.
Comment: This sequence change replaces glutamic acid, which is acidic and polar, with aspartic acid, which is acidic and polar, at codon 767 of the BRIP1 protein (p.Glu767Asp). This variant is present in population databases (rs369434185, gnomAD 0.01%). This missense change has been observed in individual(s) with prostate cancer, gastric cancer and sarcoma (PMID: 27498913, 31214711, 32426482). ClinVar contains an entry for this variant (Variation ID: 489825). Invitae Evidence Modeling of protein sequence and biophysical properties (such as structural, functional, and spatial information, amino acid conservation, physicochemical variation, residue mobility, and thermodynamic stability) has been performed for this missense variant. However, the output from this modeling did not meet the statistical confidence thresholds required to predict the impact of this variant on BRIP1 protein function. In summary, the available evidence is currently insufficient to determine the role of this variant in disease. Therefore, it has been classified as a Variant of Uncertain Significance.

Ambry Genetics
Classification: Uncertain significance for Hereditary cancer-predisposing syndrome. Last evaluated: 2025-01-30. Review status: criteria provided, single submitter. Criteria: Ambry Variant Classification Scheme 2023. Collection method: clinical testing. Allele origin: germline.
Comment: The p.E767D variant (also known as c.2301G>C), located in coding exon 15 of the BRIP1 gene, results from a G to C substitution at nucleotide position 2301. The glutamic acid at codon 767 is replaced by aspartic acid, an amino acid with highly similar properties. This amino acid position is highly conserved in available vertebrate species. In addition, this alteration is predicted to be deleterious by in silico analysis. Based on the available evidence, the clinical significance of this variant remains unclear.

Baylor Genetics
Classification: Uncertain significance for Familial cancer of breast. Last evaluated: 2023-05-30. Review status: criteria provided, single submitter. Criteria: ACMG Guidelines, 2015. Collection method: clinical testing. Allele origin: unknown.

Color Diagnostics, LLC DBA Color Health
Classification: Uncertain significance for Hereditary cancer-predisposing syndrome. Last evaluated: 2023-05-16. Review status: criteria provided, single submitter. Criteria: ACMG Guidelines, 2015. Collection method: clinical testing. Allele origin: germline.
Comment: This missense variant replaces glutamic acid with aspartic acid at codon 767 of the BRIP1 protein. Computational prediction suggests that this variant may have deleterious impact on protein structure and function (internally defined REVEL score threshold >= 0.7, PMID: 27666373). To our knowledge, functional studies have not been reported for this variant. This variant has not been reported in individuals affected with BRIP1-related disorders in the literature. This variant has been identified in 1/251302 chromosomes in the general population by the Genome Aggregation Database (gnomAD). The available evidence is insufficient to determine the role of this variant in disease conclusively. Therefore, this variant is classified as a Variant of Uncertain Significance.

Cancer Genomics Group, Japanese Foundation For Cancer Research
Classification: Uncertain significance for Hereditary breast and ovarian cancer syndrome. Last evaluated: 2019-05-01. Review status: criteria provided, single submitter. Criteria: ACMG Guidelines, 2015. Collection method: research. Allele origin: germline. Affected: yes.

Illumina Laboratory Services, Illumina
Classification: Uncertain significance for Fanconi anemia complementation group J. Last evaluated: 2018-01-13. Review status: criteria provided, single submitter. Criteria: ICSL Variant Classification Criteria 13 December 2019. Collection method: clinical testing. Allele origin: germline.

Leiden Open Variation Database
Classification: Uncertain significance. Last evaluated: 2019-08-13. Review status: no assertion criteria provided. Collection method: curation. Allele origin: germline. Affected: yes. Not counted in ClinVar's aggregate classification.
Comment: Curator: Arleen D. Auerbach. Submitter to LOVD: Yukihide Momozawa.

Literature cited by the submitters: PubMed 27498913 (cited by Labcorp Genetics (formerly Invitae), Labcorp); PubMed 31214711 (cited by Labcorp Genetics (formerly Invitae), Labcorp and Leiden Open Variation Database); PubMed 32426482 (cited by Labcorp Genetics (formerly Invitae), Labcorp).